The following is an entry in ClinVar:

NM_024529.5(CDC73):c.164A>G (p.Tyr55Cys)

Gene: CDC73 (cell division cycle 73; plus strand). Cytogenetic location: 1q31.2.
Variant type: single nucleotide variant.
Coding change: c.164A>G on transcript NM_024529.5 (MANE Select); coding-DNA position 164, A replaced by G.
Protein change: p.Tyr55Cys; replaces tyrosine 55 with cysteine.
Molecular consequence: missense variant.
Genome position (GRCh38, 1-based): chr1:193,125,144, A>G. VCF-style: chr1-193125144-A-G. GRCh37 (hg19) VCF-style: chr1-193094274-A-G.
Other names: short protein forms Y55C.
Identifiers: ClinVar variation 1346133 (VCV001346133.8), dbSNP rs2103113933, ClinGen allele CA343973100.
Genomic context (GRCh38, chr1:193,125,144, plus strand): 5'-AAAAAAAATCTTGCCTTAATTATTTCAGGACTGGAAAGGAAGGCCAACCCAGAGAGTACT[A>G]CACATTGGATTCCATTTTATTTCTACTTAATAACGTGCACCTTTCTCATCCTGTTTATGT-3'
Protein context (NP_078805.3, residues 45-65): TGKEGQPREY[Tyr55Cys]TLDSILFLLN

ClinVar aggregate classification (germline): Uncertain significance (1 of 4 stars; one submission).

Conditions:
Parathyroid carcinoma (PRTC). Also called: CDC73-Related Parathyroid Carcinoma; Parathyroid gland carcinoma. Identifiers: Orphanet 143, MedGen C0687150, MONDO:0012004, OMIM 608266, HP:0006780.

Submission:

Labcorp Genetics (formerly Invitae), Labcorp
Classification: Uncertain significance for Parathyroid carcinoma. Last evaluated: 2021-04-21. Review status: criteria provided, single submitter. Criteria: Invitae Variant Classification Sherloc (09022015). Collection method: clinical testing. Allele origin: germline.
Comment: In summary, the available evidence is currently insufficient to determine the role of this variant in disease. Therefore, it has been classified as a Variant of Uncertain Significance. Algorithms developed to predict the effect of missense changes on protein structure and function are either unavailable or do not agree on the potential impact of this missense change (SIFT: "Deleterious"; PolyPhen-2: "Probably Damaging"; Align-GVGD: "Class C0"). This variant has not been reported in the literature in individuals with CDC73-related conditions. This variant is not present in population databases (ExAC no frequency). This sequence change replaces tyrosine with cysteine at codon 55 of the CDC73 protein (p.Tyr55Cys). The tyrosine residue is highly conserved and there is a large physicochemical difference between tyrosine and cysteine.